The following is an entry in ClinVar:

ClinVar aggregate classification (germline): Uncertain significance. Review status: criteria provided, single submitter (1 of 4 stars). 2 submissions from 2 submitters: Uncertain significance (1). 1 of the submissions does not count toward it. Last evaluated 2019-04-15.

Conditions:
Hereditary cancer-predisposing syndrome. Also called: Neoplastic Syndromes, Hereditary; Tumor predisposition; Hereditary Cancer Syndrome; Hereditary neoplastic syndrome. Identifiers: Orphanet 140162, MedGen C0027672, MeSH D009386, MONDO:0015356.
Ataxia-telangiectasia syndrome (AT). Also called: LOUIS-BAR SYNDROME; Cerebello-oculocutaneous telangiectasia; Immunodeficiency with ataxia telangiectasia; Ataxia-telangiectasia, complementation group D; AT, COMPLEMENTATION GROUP C; ATAXIA-TELANGIECTASIA, COMPLEMENTATION GROUP A. Identifiers: Orphanet 100, MedGen C0004135, MONDO:0008840, OMIM 208900.

Submissions (2):

Ambry Genetics
Classification: Uncertain significance for Hereditary cancer-predisposing syndrome. Last evaluated: 2019-04-15. Review status: criteria provided, single submitter. Criteria: Ambry Variant Classification Scheme 2023. Collection method: clinical testing. Allele origin: germline.
Comment: The p.R1437I variant (also known as c.4310G>T), located in coding exon 28 of the ATM gene, results from a G to T substitution at nucleotide position 4310. The arginine at codon 1437 is replaced by isoleucine, an amino acid with similar properties. This amino acid position is highly conserved in available vertebrate species. In addition, this alteration is predicted to be deleterious by in silico analysis. Since supporting evidence is limited at this time, the clinical significance of this alteration remains unclear.

Natera, Inc.
Classification: Uncertain significance for Ataxia-telangiectasia. Last evaluated: 2025-02-03. Review status: no assertion criteria provided. Collection method: clinical testing. Allele origin: germline. Not counted in ClinVar's aggregate classification.

NM_000051.4(ATM):c.4310G>T (p.Arg1437Ile)

Gene: ATM (ATM serine/threonine kinase; plus strand). Cytogenetic location: 11q22.3.
Variant type: single nucleotide variant.
Coding change: c.4310G>T on transcript NM_000051.4 (MANE Select); coding-DNA position 4310, G replaced by T.
Protein change: p.Arg1437Ile; replaces arginine 1437 with isoleucine.
Molecular consequence: missense variant.
Genome position (GRCh38, 1-based): chr11:108,289,675, G>T. VCF-style: chr11-108289675-G-T. GRCh37 (hg19) VCF-style: chr11-108160402-G-T.
Other names: c.4310G>T, p.Arg1437Ile (NM_001351834.2); short protein forms R1437I.
Identifiers: ClinVar variation 1739635 (VCV001739635.3), dbSNP rs1227046364, ClinGen allele CA382531704.